The following is an entry in ClinVar:

ClinVar aggregate classification (germline): Benign/Likely benign. Review status: criteria provided, multiple submitters, no conflicts (2 of 4 stars). 2 submissions from 2 submitters: Benign (1); Likely benign (1). Last evaluated 2025-10-01.

Conditions:
Hereditary cancer-predisposing syndrome. Also called: Neoplastic Syndromes, Hereditary; Tumor predisposition; Hereditary Cancer Syndrome; Hereditary neoplastic syndrome. Identifiers: Orphanet 140162, MedGen C0027672, MeSH D009386, MONDO:0015356.
Birt-Hogg-Dube syndrome 1 (BHD1). Also called: FIBROFOLLICULOMAS WITH TRICHODISCOMAS AND ACROCHORDONS. Identifiers: Orphanet 122, MedGen CN375946, MONDO:0800445, OMIM 135150.

gnomAD v4.1: 1 of 1,613,804 alleles (0.000062%); no homozygotes.

Submissions (2):

Ambry Genetics
Classification: Likely benign for Hereditary cancer-predisposing syndrome. Last evaluated: 2025-10-01. Review status: criteria provided, single submitter. Criteria: Ambry Variant Classification Scheme 2023. Collection method: clinical testing. Allele origin: germline.

Myriad Genetics, Inc.
Classification: Benign for Birt-Hogg-Dube syndrome 1. Last evaluated: 2024-10-25. Review status: criteria provided, single submitter. Criteria: Myriad Autosomal Dominant, Autosomal Recessive and X-Linked Classification Criteria (2023). Collection method: clinical testing. Allele origin: unknown.
Comment: This variant is considered benign. This variant is a silent/synonymous amino acid change and it is not expected to impact splicing.

NM_144997.7(FLCN):c.1443C>T (p.Thr481=)

Gene: FLCN (folliculin; minus strand). Cytogenetic location: 17p11.2.
Variant type: single nucleotide variant.
Coding change: c.1443C>T on transcript NM_144997.7 (MANE Select); coding-DNA position 1443, C replaced by T.
Protein change: p.Thr481=; no amino-acid change (threonine 481 retained).
Molecular consequence: synonymous variant.
Genome position (GRCh38, 1-based): chr17:17,215,080, G>A on the plus strand (C>T on the coding strand, the complement: FLCN is on the minus strand). VCF-style: chr17-17215080-G-A. GRCh37 (hg19) VCF-style: chr17-17118394-G-A.
Other names: c.1497C>T, p.Thr499= (NM_001353229.2); c.1443C>T, p.Thr481= (NM_001353230.2, NM_001353231.2).
Identifiers: ClinVar variation 3773310 (VCV003773310.2).
Genomic context (GRCh38, chr17:17,215,080, plus strand): 5'-GTCCACCACATCCACAGACAGGTTCTGGTTGGTCAGAGCCGCTTCAATCTTATTCAGGAT[G>A]GTGGGGCCCACTGGGGAGAAGGGCAGGGGCAGAGCAAGGGCAGGCGTTAGCGCGGGGCGG-3'
Protein context (NP_659434.2, residues 471-491): SPVAADRVGP[Thr481=]ILNKIEAALT